The following is an entry in ClinVar:

ClinVar aggregate classification (germline): Uncertain significance. Review status: criteria provided, multiple submitters, no conflicts (2 of 4 stars). 5 submissions from 5 submitters: Uncertain significance (5). Last evaluated 2026-08-26.

Conditions:
SCN4A-related disorder. Also called: SCN4A-related disorders.
Potassium-aggravated myotonia. Also called: Myotonia congenita, atypical, acetazolamide-responsive; MYOTONIA CONGENITA, ACETAZOLAMIDE-RESPONSIVE; MYOTONIA CONGENITA, ATYPICAL; SODIUM CHANNEL MUSCLE DISEASE. Identifiers: Orphanet 612, Orphanet 99734, Orphanet 99735, Orphanet 99736, MedGen C2931826, MONDO:0018959, OMIM 608390.
Congenital myasthenic syndrome 16. Identifiers: Orphanet 590, MedGen C3280112, MONDO:0013620, OMIM 614198.
Paramyotonia congenita of Von Eulenburg. Also called: Paramyotonia Congenita; PARALYSIS PERIODICA PARAMYOTONICA; Eulenburg disease; Myotonia congenita intermittens; Von Eulenburg paramyotonia congenita. Identifiers: Orphanet 684, MedGen C0221055, MONDO:0008195, OMIM 168300. Disease mechanism: loss of function.
Hypokalemic periodic paralysis, type 2 (HOKPP2). Identifiers: Orphanet 681, MedGen C2750061, MONDO:0013234, OMIM 613345.
Congenital myopathy 22A, classic (CMYO22A). Identifiers: MedGen C5830453, MONDO:0957247, OMIM 620351.
Congenital myopathy 22B, severe fetal (CMYO22B). Identifiers: MedGen C5830501, MONDO:0957265, OMIM 620369.
Hyperkalemic periodic paralysis. Also called: Familial hyperkalemic periodic paralysis; Gamstorp disease. Identifiers: Orphanet 682, MedGen C0238357, MONDO:0008224, OMIM 170500, HP:0007215.

Allele frequency attached by ClinVar (database versions not stated): gnomAD exomes 0.00001 and 0.00004; TOPMed 0.00003; gnomAD 0.00003; ExAC 0.00001.
gnomAD v4.1: 57 of 1,611,268 alleles (0.0035%); highest among the groups gnomAD compares: Non-Finnish European, 0.0043%; no homozygotes.

Submissions (5):

PreventionGenetics, part of Exact Sciences
Classification: Uncertain significance for SCN4A-related condition. Last evaluated: 2026-08-26. Review status: criteria provided, single submitter. Criteria: ACMG Guidelines, 2015. Collection method: clinical testing. Allele origin: germline.
Comment: The SCN4A c.568C>T variant is predicted to result in the amino acid substitution p.Arg190Trp. This variant has been reported de novo in an individual with autism spectrum disorder (Krumm et al. 2015. PubMed ID: 25961944; Turner et al. 2019. PubMed ID: 31785789; Table S1, Koire et al. 2021. PubMed ID: 34011629; Table S1, Zhou et al. 2022. PubMed ID: 35982159; Table S20, Fu et al. 2022. PubMed ID: 35982160). This variant has also been observed in a healthy control subject and a functional study shows function similar to wild type (Männikkö et al. 2018. PubMed ID: 29605429). This variant is reported in 0.0032% of alleles in individuals of European (non-Finnish) descent in gnomAD and is consistently reported as uncertain in ClinVar (Variation ID: 951521). At this time, the clinical significance of this variant is uncertain due to the absence of conclusive functional and genetic evidence.

Labcorp Genetics (formerly Invitae), Labcorp
Classification: Uncertain significance for Hyperkalemic periodic paralysis. Last evaluated: 2025-08-29. Review status: criteria provided, single submitter. Criteria: Invitae Variant Classification Sherloc (09022015). Collection method: clinical testing. Allele origin: germline.
Comment: This sequence change replaces arginine, which is basic and polar, with tryptophan, which is neutral and slightly polar, at codon 190 of the SCN4A protein (p.Arg190Trp). This variant is present in population databases (rs763866848, gnomAD 0.003%). This missense change has been observed in individual(s) with autism spectrum disorder (PMID: 25961944, 34011629). ClinVar contains an entry for this variant (Variation ID: 951521). Invitae Evidence Modeling of protein sequence and biophysical properties (such as structural, functional, and spatial information, amino acid conservation, physicochemical variation, residue mobility, and thermodynamic stability) indicates that this missense variant is expected to disrupt SCN4A protein function with a positive predictive value of 80%. Experimental studies have shown that this missense change does not substantially affect SCN4A function (PMID: 29605429). In summary, the available evidence is currently insufficient to determine the role of this variant in disease. Therefore, it has been classified as a Variant of Uncertain Significance.

Fulgent Genetics
Classification: Uncertain significance for Paramyotonia congenita of Von Eulenburg; Hyperkalemic periodic paralysis; Potassium-aggravated myotonia; Hypokalemic periodic paralysis, type 2; Congenital myasthenic syndrome 16; Congenital myopathy 22A, classic; Congenital myopathy 22B, severe fetal. Last evaluated: 2024-03-08. Review status: criteria provided, single submitter. Criteria: ACMG Guidelines, 2015. Collection method: clinical testing. Allele origin: germline.

GeneDx
Classification: Uncertain significance. Last evaluated: 2020-10-17. Review status: criteria provided, single submitter. Criteria: GeneDx Variant Classification Process June 2021. Collection method: clinical testing. Allele origin: germline. Affected: yes.
Comment: Reported as a de novo variant in an individual with autism in the published literature; however, this individual also had de novo variants in two other genes as well as several inherited variants that may have been responsible for the phenotype (Krumm et al., 2015); Observed in a healthy control individual in published literature (Mannikko et al., 2018); Functional studies suggest that R190W does not impact the NaV1.4 channel (Mannikko et al., 2018); Not observed at a significant frequency in large population cohorts (Lek et al., 2016); In silico analysis supports that this missense variant has a deleterious effect on protein structure/function; This variant is associated with the following publications: (PMID: 25961944, 29605429)

Revvity Omics, Revvity
Classification: Uncertain significance. Last evaluated: 2019-11-30. Review status: criteria provided, single submitter. Criteria: ACMG Guidelines, 2015. Collection method: clinical testing. Allele origin: germline.

Literature cited by the submitters: PubMed 25961944 (cited by Labcorp Genetics (formerly Invitae), Labcorp); PubMed 34011629 (cited by Labcorp Genetics (formerly Invitae), Labcorp); PubMed 29605429 (cited by Labcorp Genetics (formerly Invitae), Labcorp).

NM_000334.4(SCN4A):c.568C>T (p.Arg190Trp)

Gene: SCN4A (sodium voltage-gated channel alpha subunit 4; minus strand). Cytogenetic location: 17q23.3.
Variant type: single nucleotide variant.
Coding change: c.568C>T on transcript NM_000334.4 (MANE Select); coding-DNA position 568, C replaced by T.
Protein change: p.Arg190Trp; replaces arginine 190 with tryptophan.
Molecular consequence: missense variant.
Genome position (GRCh38, 1-based): chr17:63,971,765, G>A on the plus strand (C>T on the coding strand, the complement: SCN4A is on the minus strand). VCF-style: chr17-63971765-G-A. GRCh37 (hg19) VCF-style: chr17-62049125-G-A.
Other names: short protein forms R190W.
Identifiers: ClinVar variation 951521 (VCV000951521.17), dbSNP rs763866848, ClinGen allele CA8710114.
Genomic context (GRCh38, chr17:63,971,765, plus strand): 5'-CTGGGGCCCCTGCTCACGCCATCATGATGACACTGAAGTCCAGCCAGTTCCAGGGGTCCC[G>A]GAGGAATGTGAAGTCGTCGACACAGAAGCCTCGGGCCAGTATCTTGATGAGGGACTCAAA-3'
Protein context (NP_000325.4, residues 180-200): GFCVDDFTFL[Arg190Trp]DPWNWLDFSV